The following is an entry in ClinVar:

ClinVar aggregate classification (germline): Uncertain significance. Review status: criteria provided, multiple submitters, no conflicts (2 of 4 stars). 2 submissions from 2 submitters: Uncertain significance (2). Last evaluated 2022-11-17.

Conditions:
Inborn genetic diseases. Identifiers: MedGen C0950123, MeSH D030342.

Allele frequency attached by ClinVar (database versions not stated): gnomAD 0.00001; TOPMed 0.00001; ExAC 0.00007; gnomAD exomes 0.00007; ESP Exome Variant Server 0.00015.

Submissions (2):

Ambry Genetics
Classification: Uncertain significance for Inborn genetic diseases. Last evaluated: 2022-11-17. Review status: criteria provided, single submitter. Criteria: Ambry Variant Classification Scheme 2023. Collection method: clinical testing. Allele origin: germline.

Labcorp Genetics (formerly Invitae), Labcorp
Classification: Uncertain significance. Last evaluated: 2022-04-07. Review status: criteria provided, single submitter. Criteria: Invitae Variant Classification Sherloc (09022015). Collection method: clinical testing. Allele origin: germline.
Comment: This sequence change replaces threonine, which is neutral and polar, with alanine, which is neutral and non-polar, at codon 328 of the EXOSC9 protein (p.Thr328Ala). This variant is present in population databases (rs374466564, gnomAD 0.05%). This variant has not been reported in the literature in individuals affected with EXOSC9-related conditions. Algorithms developed to predict the effect of missense changes on protein structure and function (SIFT, PolyPhen-2, Align-GVGD) all suggest that this variant is likely to be tolerated. In summary, the available evidence is currently insufficient to determine the role of this variant in disease. Therefore, it has been classified as a Variant of Uncertain Significance.

NM_005033.3(EXOSC9):c.982A>G (p.Thr328Ala)

Gene: EXOSC9 (exosome component 9; plus strand). Cytogenetic location: 4q27.
Variant type: single nucleotide variant.
Coding change: c.982A>G on transcript NM_005033.3 (MANE Select); coding-DNA position 982, A replaced by G.
Protein change: p.Thr328Ala; replaces threonine 328 with alanine.
Molecular consequence: missense variant.
Genome position (GRCh38, 1-based): chr4:121,813,873, A>G. VCF-style: chr4-121813873-A-G. GRCh37 (hg19) VCF-style: chr4-122735028-A-G.
Other names: c.982A>G, p.Thr328Ala (NM_001034194.2); c.982A>G (NM_001034194.1); short protein forms T328A.
Identifiers: ClinVar variation 1992048 (VCV001992048.2), dbSNP rs374466564, ClinGen allele CA3063596.